The following is an entry in ClinVar:

ClinVar aggregate classification (germline): Pathogenic (1 of 4 stars; one submission).

Conditions:
Hypospadias 1, X-linked (HYSP1). Identifiers: Orphanet 440, MedGen C2678098, MONDO:0010384, OMIM 300633.
Partial androgen insensitivity syndrome (PAIS). Also called: ANDROGEN INSENSITIVITY, PARTIAL, WITH OR WITHOUT BREAST CANCER; Reifenstein syndrome; Gynecomastia, familial; Partial Androgen Insensitivity Syndrome (PAIS); Pseudohermaphroditism, Incomplete male, type I; Reifenstein syndrome, partial. Identifiers: Orphanet 90797, MedGen C0268301, MONDO:0010720, OMIM 312300.
Kennedy disease (SMAX1). Also called: SPINAL AND BULBAR MUSCULAR ATROPHY, X-LINKED 1; KENNEDY SPINAL AND BULBAR MUSCULAR ATROPHY; Spinal and Bulbar Muscular Atrophy. Identifiers: Orphanet 481, MedGen C1839259, MONDO:0010735, OMIM 313200.
Familial prostate cancer. Also called: Hereditary Prostate Cancer. Identifiers: MedGen C2931456, MONDO:0700275, OMIM 176807.
Androgen resistance syndrome (AIS). Also called: ANDROGEN RECEPTOR DEFICIENCY; DIHYDROTESTOSTERONE RECEPTOR DEFICIENCY; TESTICULAR FEMINIZATION SYNDROME; Androgen insensitivity syndrome; Androgen insensitivity; Androgen insensitivity, complete. Identifiers: Orphanet 754, Orphanet 99429, MedGen C0039585, MONDO:0019154, OMIM 300068. Disease mechanism: loss of function.

Submission:

Juno Genomics, Hangzhou Juno Genomics, Inc
Classification: Pathogenic for Androgen resistance syndrome; Partial androgen insensitivity syndrome; Hypospadias 1, X-linked; Kennedy disease; Familial prostate cancer. Review status: criteria provided, single submitter. Criteria: ACMG Guidelines, 2015. Collection method: clinical testing. Allele origin: germline. Affected: yes.
Comment: Null variant in a gene where loss of function (LOF) is a known mechanism of disease.;Absent from controls (or at extremely low frequency if recessive) in Genome Aggregation Database, Exome Sequencing Project, 1000 Genomes Project, or Exome Aggregation Consortium.;Patient's phenotype or family history is highly specific for a disease with a single genetic etiology.

NM_000044.6(AR):c.154_220del (p.Ala52fs)

Genes: AR (androgen receptor; plus strand), LOC109504725 (androgen receptor repeat instability region; plus strand). Cytogenetic location: Xq12.
Variant type: Deletion.
Coding change: c.154_220del on transcript NM_000044.6 (MANE Select); coding-DNA positions 154 to 220, 67 bases deleted.
Protein change: p.Ala52fs; shifts the reading frame from alanine 52.
Molecular consequence: frameshift variant. On other transcripts: 5 prime UTR variant (1).
Genome position (GRCh38, 1-based): chrX:67,545,300-67,545,366, 67 bases deleted. GRCh37 (hg19): chrX:66,765,142-66,765,208.
Other names: c.-1630_-1564del (NM_001011645.3); c.154_220del, p.Ala52fs (NM_001348061.1, NM_001348063.1, NM_001348064.1); short protein forms A52fs.
Identifiers: ClinVar variation 3382976 (VCV003382976.2).